The following is an entry in ClinVar:

NM_005751.5(AKAP9):c.614G>A (p.Gly205Asp)

Gene: AKAP9 (A-kinase anchoring protein 9; plus strand). Cytogenetic location: 7q21.2.
Variant type: single nucleotide variant.
Coding change: c.614G>A on transcript NM_005751.5 (MANE Select); coding-DNA position 614, G replaced by A.
Protein change: p.Gly205Asp; replaces glycine 205 with aspartic acid.
Molecular consequence: missense variant.
Genome position (GRCh38, 1-based): chr7:91,994,658, G>A. VCF-style: chr7-91994658-G-A. GRCh37 (hg19) VCF-style: chr7-91623972-G-A.
Other names: c.614G>A, p.Gly205Asp (NM_147185.3); short protein forms G205D.
Identifiers: ClinVar variation 1751877 (VCV001751877.2), dbSNP rs2484671272, ClinGen allele CA368119806.

ClinVar aggregate classification (germline): Uncertain significance (1 of 4 stars; one submission).

Conditions:
Cardiovascular phenotype. Identifiers: MedGen CN230736.

Submission:

Ambry Genetics
Classification: Uncertain significance for Cardiovascular phenotype. Last evaluated: 2021-03-25. Review status: criteria provided, single submitter. Criteria: Ambry Variant Classification Scheme 2023. Collection method: clinical testing. Allele origin: germline.
Comment: The p.G205D variant (also known as c.614G>A), located in coding exon 6 of the AKAP9 gene, results from a G to A substitution at nucleotide position 614. The glycine at codon 205 is replaced by aspartic acid, an amino acid with similar properties. This amino acid position is well conserved in available vertebrate species; however, aspartic acid is the reference amino acid in other vertebrate species. In addition, this alteration is predicted to be tolerated by in silico analysis. Since supporting evidence is limited at this time, the clinical significance of this alteration remains unclear.